The following is an entry in ClinVar:

ClinVar aggregate classification (germline): Likely benign (1 of 4 stars; one submission).

gnomAD v4.1: 158 of 1,613,486 alleles (0.0098%); highest among the groups gnomAD compares: African/African-American, 0.2%; no homozygotes.

Submission:

Mayo Clinic Laboratories, Mayo Clinic
Classification: Likely benign. Last evaluated: 2025-08-12. Review status: criteria provided, single submitter. Criteria: ACMG Guidelines, 2015. Collection method: clinical testing. Allele origin: germline. Observed: 3 variant alleles.
Comment: BP4, BP7

NM_003126.4(SPTA1):c.678+22C>A

Gene: SPTA1 (spectrin alpha, erythrocytic 1; minus strand). Cytogenetic location: 1q23.1.
Variant type: single nucleotide variant.
Coding change: c.678+22C>A on transcript NM_003126.4 (MANE Select); 22 bases into the intron after coding-DNA position 678, C replaced by A.
Molecular consequence: intron variant.
Genome position (GRCh38, 1-based): chr1:158,680,561, G>T on the plus strand (C>A on the coding strand, the complement: SPTA1 is on the minus strand). VCF-style: chr1-158680561-G-T. GRCh37 (hg19) VCF-style: chr1-158650351-G-T.
Other names: p.?.
Identifiers: ClinVar variation 4683672 (VCV004683672.1).